The following is an entry in ClinVar:

ClinVar aggregate classification (germline): Uncertain significance (1 of 4 stars; one submission).

Conditions:
Neuronal ceroid lipofuscinosis 11. Also called: GRN-Related Neuronal Ceroid-Lipofuscinosis. Identifiers: Orphanet 314629, Orphanet 79262, MedGen C3539123, MONDO:0013866, OMIM 614706.
GRN-related frontotemporal lobar degeneration with Tdp43 inclusions (FTD2). Also called: DEMENTIA, HEREDITARY DYSPHASIC DISINHIBITION; FRONTOTEMPORAL LOBAR DEGENERATION WITH UBIQUITIN-POSITIVE INCLUSIONS; FTLD-TDP, GRN-RELATED; FRONTOTEMPORAL DEMENTIA WITH TDP43 INCLUSIONS, GRN-RELATED; GRN Frontotemporal Dementia. Identifiers: Orphanet 100070, Orphanet 282, MedGen C1843792, MONDO:0011842, OMIM 607485. Disease mechanism: loss of function.

gnomAD v4.1: 2 of 1,613,728 alleles (0.00012%); highest among the groups gnomAD compares: African/African-American, 0.0013%; no homozygotes.

Submission:

Labcorp Genetics (formerly Invitae), Labcorp
Classification: Uncertain significance for Neuronal ceroid lipofuscinosis 11; GRN-related frontotemporal lobar degeneration with Tdp43 inclusions. Last evaluated: 2025-09-19. Review status: criteria provided, single submitter. Criteria: Invitae Variant Classification Sherloc (09022015). Collection method: clinical testing. Allele origin: germline.
Comment: This sequence change replaces alanine, which is neutral and non-polar, with threonine, which is neutral and polar, at codon 484 of the GRN protein (p.Ala484Thr). The frequency data for this variant in the population databases is considered unreliable, as metrics indicate poor data quality at this position in the gnomAD database. This variant has not been reported in the literature in individuals affected with GRN-related conditions. Invitae Evidence Modeling of protein sequence and biophysical properties (such as structural, functional, and spatial information, amino acid conservation, physicochemical variation, residue mobility, and thermodynamic stability) indicates that this missense variant is not expected to disrupt GRN protein function with a negative predictive value of 80%. In summary, the available evidence is currently insufficient to determine the role of this variant in disease. Therefore, it has been classified as a Variant of Uncertain Significance.

NM_002087.4(GRN):c.1450G>A (p.Ala484Thr)

Gene: GRN (granulin precursor; plus strand). Cytogenetic location: 17q21.31.
Variant type: single nucleotide variant.
Coding change: c.1450G>A on transcript NM_002087.4 (MANE Select); coding-DNA position 1450, G replaced by A.
Protein change: p.Ala484Thr; replaces alanine 484 with threonine.
Molecular consequence: missense variant.
Genome position (GRCh38, 1-based): chr17:44,352,377, G>A. VCF-style: chr17-44352377-G-A. GRCh37 (hg19) VCF-style: chr17-42429745-G-A.
Other names: short protein forms A484T.
Identifiers: ClinVar variation 4788736 (VCV004788736.1).
Genomic context (GRCh38, chr17:44,352,377, plus strand): 5'-ATTCTGTGCTCCCTTCCCCGCCAGGCTGTGTGCTGCGAGGATCGCCAGCACTGCTGCCCG[G>A]CTGGCTACACCTGCAACGTGAAGGCTCGATCCTGCGAGAAGGAAGTGGTCTCTGCCCAGC-3'
Protein context (NP_002078.1, residues 474-494): CCEDRQHCCP[Ala484Thr]GYTCNVKARS